The following is an entry in ClinVar:

NM_001371333.1(DIABLO):c.179C>T (p.Ala60Val)

Gene: DIABLO (diablo IAP-binding mitochondrial protein; minus strand). Cytogenetic location: 12q24.31.
Variant type: single nucleotide variant.
Coding change: c.179C>T on transcript NM_001371333.1 (MANE Select); coding-DNA position 179, C replaced by T.
Protein change: p.Ala60Val; replaces alanine 60 with valine.
Molecular consequence: missense variant. On other transcripts: intron variant (4).
Genome position (GRCh38, 1-based): chr12:122,224,516, G>A on the plus strand (C>T on the coding strand, the complement: DIABLO is on the minus strand). VCF-style: chr12-122224516-G-A. GRCh37 (hg19) VCF-style: chr12-122709063-G-A.
Other names: c.179C>T, p.Ala60Val (NM_001278342.1, NM_019887.6); c.-37+1449C>T (NM_001278303.1); c.24+129C>T (NM_001278302.1, NM_138930.3, NM_001278304.2); short protein forms A60V.
Identifiers: ClinVar variation 228570 (VCV000228570.13), dbSNP rs199898020, ClinGen allele CA6844012.
Genomic context (GRCh38, chr12:122,224,516, plus strand): 5'-TTGAGACTTCAAGAGGACACGGTACACTAGATAAGAATCACTGCACACGACAGTACCTGT[G>A]CAATAGGAACCGCACACAGGGTTACTCCAAAGCCAATCGTCACAGTTTTGTGCCATGGTC-3'
Protein context (NP_001358262.1, residues 50-70): FGVTLCAVPI[Ala60Val]QKSEPHSLSS

ClinVar aggregate classification (germline): Conflicting classifications of pathogenicity. Review status: criteria provided, conflicting classifications (1 of 4 stars). 5 submissions from 5 submitters: Uncertain significance (3); Likely benign (2). Last evaluated 2025-08-13.

Allele frequency attached by ClinVar (database versions not stated): gnomAD exomes 0.00037 and 0.00014; ExAC 0.00012; ESP Exome Variant Server 0.00015; gnomAD 0.00016 and 0.00018; TOPMed 0.00020.
gnomAD v4.1: 572 of 1,613,524 alleles (0.035%); highest among the groups gnomAD compares: Non-Finnish European, 0.045%; no homozygotes.

Submissions (5):

Ambry Genetics
Classification: Uncertain significance. Last evaluated: 2025-08-13. Review status: criteria provided, single submitter. Criteria: Ambry Variant Classification Scheme 2023. Collection method: clinical testing. Allele origin: germline.

Labcorp Genetics (formerly Invitae), Labcorp
Classification: Uncertain significance. Last evaluated: 2025-05-28. Review status: criteria provided, single submitter. Criteria: Invitae Variant Classification Sherloc (09022015). Collection method: clinical testing. Allele origin: germline.
Comment: This sequence change replaces alanine, which is neutral and non-polar, with valine, which is neutral and non-polar, at codon 60 of the DIABLO protein (p.Ala60Val). This variant is present in population databases (rs199898020, gnomAD 0.03%), and has an allele count higher than expected for a pathogenic variant. This missense change has been observed in individual(s) with 36515421 (DIABLO-related conditions). ClinVar contains an entry for this variant (Variation ID: 228570). An algorithm developed to predict the effect of missense changes on protein structure and function (PolyPhen-2) suggests that this variant is likely to be tolerated. In summary, the available evidence is currently insufficient to determine the role of this variant in disease. Therefore, it has been classified as a Variant of Uncertain Significance.

Blueprint Genetics
Classification: Likely benign. Last evaluated: 2024-08-20. Review status: criteria provided, single submitter. Criteria: ACMG Guidelines, 2015. Collection method: clinical testing. Allele origin: germline.

GeneDx
Classification: Likely benign. Last evaluated: 2021-12-16. Review status: criteria provided, single submitter. Criteria: GeneDx Variant Classification Process June 2021. Collection method: clinical testing. Allele origin: germline. Affected: yes.
Comment: In silico analysis supports that this missense variant does not alter protein structure/function; Has not been previously published as pathogenic or benign to our knowledge; Variants in candidate genes are classified as variants of uncertain significance in accordance with ACMG guidelines (Richards et al., 2015)

Laboratory for Molecular Medicine, Mass General Brigham Personalized Medicine
Classification: Uncertain significance. Last evaluated: 2016-01-04. Review status: criteria provided, single submitter. Criteria: LMM Criteria. Collection method: clinical testing. Allele origin: germline. Observed: 1 variant allele.
Comment: The p.Ala60Val variant in DIABLO has not been previously reported in individuals with hearing loss and has been identified in 14/66736 European chromosomes by t he Exome Aggregation Consortium (ExAC; dbSNP rs1 99898020). Although this variant has been seen in the general population, its f requency is not high enough to rule out a pathogenic role. The alanine (Ala) at position 60 is not well conserved across species, with 1 mammal and several bird s and reptiles having a valine (Val) at this position, suggesting that a change to a valine residue at this position may be tolerated. Additional computational prediction tools do not provide strong support for or against an impact the prot ein. In summary, while the clinical significance of the p.Ala60Val variant is u ncertain.